The following is an entry in ClinVar:

NM_000038.6(APC):c.5020G>T (p.Gly1674Ter)

Gene: APC (APC regulator of Wnt signaling pathway; plus strand). Cytogenetic location: 5q22.2.
Variant type: single nucleotide variant.
Coding change: c.5020G>T on transcript NM_000038.6 (MANE Select); coding-DNA position 5020, G replaced by T.
Protein change: p.Gly1674Ter; replaces glycine 1674 with a stop codon.
Molecular consequence: nonsense.
Genome position (GRCh38, 1-based): chr5:112,840,614, G>T. VCF-style: chr5-112840614-G-T. GRCh37 (hg19) VCF-style: chr5-112176311-G-T.
Other names: c.5050G>T, p.Gly1684Ter (NM_001354897.2); c.4945G>T, p.Gly1649Ter (NM_001354898.2); c.5020G>T, p.Gly1674Ter (NM_001127510.3, NM_001354895.2, NM_001407450.1); c.4966G>T, p.Gly1656Ter (NM_001127511.3); c.5074G>T, p.Gly1692Ter (NM_001354896.2, NM_001407447.1, NM_001407448.1 and 1 more transcripts); c.5104G>T, p.Gly1702Ter (NM_001407446.1); c.4999G>T, p.Gly1667Ter (NM_001407451.1); c.4990G>T, p.Gly1664Ter (NM_001407452.1); and 11 more; short protein forms G1290*, G1548*, G1646*, G1514*, G1591*, G1615*, G1702*, G1573*.
Identifiers: ClinVar variation 2040107 (VCV002040107.4), dbSNP rs899555020, ClinGen allele CA16032316.

ClinVar aggregate classification (germline): Pathogenic (1 of 4 stars; one submission).

Conditions:
Familial adenomatous polyposis 1 (FAP1). Also called: POLYPOSIS, ADENOMATOUS INTESTINAL; FAMILIAL ADENOMATOUS POLYPOSIS 1, ATTENUATED. Identifiers: MedGen C2713442, MONDO:0021056, OMIM 175100. Disease mechanism: loss of function.

Submission:

Labcorp Genetics (formerly Invitae), Labcorp
Classification: Pathogenic for Familial adenomatous polyposis 1. Last evaluated: 2021-12-22. Review status: criteria provided, single submitter. Criteria: Invitae Variant Classification Sherloc (09022015). Collection method: clinical testing. Allele origin: germline.
Comment: For these reasons, this variant has been classified as Pathogenic. A different truncation (p.Tyr2645Lysfs*14) that lies downstream of this variant has been determined to be pathogenic (PMID: 9824584, 1316610, 27081525, 8381579, 22135120, Invitae). This suggests that deletion of this region of the APC protein is causative of disease. This variant is expected to disrupt the EB1 and HDLG binding sites, which mediate interactions with the cytoskeleton (PMID: 15311282, 17293347). While functional studies have not been performed to directly test the effect on APC protein function, this suggests that disruption of the C-terminal portion of the protein is functionally important. This variant has not been reported in the literature in individuals affected with APC-related conditions. This variant is not present in population databases (gnomAD no frequency). This sequence change creates a premature translational stop signal (p.Gly1674*) in the APC gene. While this is not anticipated to result in nonsense mediated decay, it is expected to disrupt the last 1170 amino acid(s) of the APC protein.

Literature cited by the submitters: PubMed 9824584; PubMed 1316610; PubMed 27081525; PubMed 8381579; PubMed 22135120; PubMed 15311282; PubMed 17293347.